The following is an entry in ClinVar:

ClinVar aggregate classification (germline): Uncertain significance (1 of 4 stars; one submission).

Submission:

Genetic Services Laboratory, University of Chicago
Classification: Uncertain significance. Last evaluated: 2020-08-08. Review status: criteria provided, single submitter. Criteria: ACMG Guidelines, 2015. Collection method: clinical testing. Allele origin: germline. Affected: no.
Comment: DNA sequence analysis of the ATM gene demonstrated two sequence changes, c.6718G>T and c.6719A>T, in exon 46 that results in an amino acid change, p.Asp2240Phe. This sequence change does not appear to have been previously described in patients with ATM-related disorders. It has not been described in the gnomAD database. The p.Asp2240Phe change affects a poorly conserved amino acid residue in the FAT domain of the ATM protein. In-silico pathogenicity prediction tools (SIFT, PolyPhen2, Align GVGD) provide contradictory results for the p.Asp2240Phe substitution. Due to these contrasting evidences and the lack of functional studies, the clinical significance of the p.Asp2240Phe change remains unknown at this time.

NM_000051.4(ATM):c.6718_6719delinsTT (p.Asp2240Phe)

Genes: ATM (ATM serine/threonine kinase; plus strand), C11orf65 (chromosome 11 open reading frame 65; minus strand). Cytogenetic location: 11q22.3.
Variant type: Indel.
Coding change: c.6718_6719delinsTT on transcript NM_000051.4 (MANE Select); coding-DNA positions 6718 to 6719, GA replaced by TT.
Protein change: p.Asp2240Phe; replaces aspartic acid 2240 with phenylalanine.
Molecular consequence: missense variant. On other transcripts: intron variant (2).
Genome position (GRCh38, 1-based): chr11:108,325,455-108,325,456, GA replaced by TT. VCF-style: chr11-108325455-GA-TT. GRCh37 (hg19) VCF-style: chr11-108196182-GA-TT.
Other names: c.6718_6719delGAinsTT, p.Asp2240Phe (NM_000051.3); c.6718_6719delinsTT, p.Asp2240Phe (NM_001351834.2); c.641-16385_641-16384delinsAA (NM_001330368.2); c.*38+9764_*38+9765delinsAA (NM_001351110.2); short protein forms D2240F.
Identifiers: ClinVar variation 1337709 (VCV001337709.5), dbSNP rs2136314186, ClinGen allele CA2573053410.